The following is an entry in ClinVar:

ClinVar aggregate classification (germline): Pathogenic (1 of 4 stars; one submission).

Submission:

Labcorp Genetics (formerly Invitae), Labcorp
Classification: Pathogenic. Last evaluated: 2023-03-12. Review status: criteria provided, single submitter. Criteria: Invitae Variant Classification Sherloc (09022015). Collection method: clinical testing. Allele origin: germline.
Comment: For these reasons, this variant has been classified as Pathogenic. Algorithms developed to predict the effect of sequence changes on RNA splicing suggest that this variant may disrupt the consensus splice site. This variant has not been reported in the literature in individuals affected with PORCN-related conditions. This variant is not present in population databases (gnomAD no frequency). This sequence change creates a premature translational stop signal (p.Gly342Alafs*57) in the PORCN gene. It is expected to result in an absent or disrupted protein product. Loss-of-function variants in PORCN are known to be pathogenic (PMID: 17546030, 19309688).

Literature cited by the submitters: PubMed 17546030; PubMed 19309688.

NC_000023.11:g.48515891del

Gene: PORCN (porcupine O-acyltransferase; plus strand). Cytogenetic location: Xp11.23.
Variant type: Deletion.
Genome position: GRCh38 VCF-style: chrX-48515888-AG-A. GRCh37 (hg19) VCF-style: chrX-48374276-AG-A.
Identifiers: ClinVar variation 2845145 (VCV002845145.3), dbSNP rs2519481125, ClinGen allele CA2739273486.